The following is an entry in ClinVar:

ClinVar aggregate classification (germline): other (0 of 4 stars; one submission).

Conditions:
Familial colorectal cancer. Identifiers: MedGen CN280943, MONDO:0023113. Disease mechanism: loss of function.

Submission:

Systems Biology Platform Zhejiang California International NanoSystems Institute
Classification: other for Familial colorectal cancer. Review status: no assertion criteria provided. Collection method: not provided. Allele origin: unknown.
ClinVar note: Converted during submission from cancer to other.

NM_000038.6(APC):c.-19+1838G>A

Gene: APC (APC regulator of WNT signaling pathway; plus strand). Cytogenetic location: 5q22.2.
Variant type: single nucleotide variant.
Coding change: c.-19+1838G>A on transcript NM_000038.6 (MANE Select); 1838 bases into the intron after 19 bases upstream of the start codon, G replaced by A.
Molecular consequence: intron variant.
Genome position (GRCh38, 1-based): chr5:112,739,763, G>A. VCF-style: chr5-112739763-G-A. GRCh37 (hg19) VCF-style: chr5-112075460-G-A.
Other names: c.-18-15110G>A (NM_001354895.2); c.166-26563G>A (NM_001354897.2, NM_001354902.2, NM_001127511.3); c.-19+1303G>A (NM_001127510.3); c.60+1303G>A (NM_001354898.2, NM_001354904.2); c.-1054+1838G>A (NM_001354906.2); c.-19+1838G>A (NM_001354896.2, NM_001354903.2, NM_001354899.2); c.-43+1838G>A (NM_001354900.2, NM_001354901.2, NM_001354905.2).
Identifiers: ClinVar variation 82335 (VCV000082335.2), dbSNP rs78307381, ClinGen allele CA006387.